The following is an entry in ClinVar:

NM_000053.4(ATP7B):c.1391G>T (p.Gly464Val)

Gene: ATP7B (ATPase copper transporting beta; minus strand). Cytogenetic location: 13q14.3.
Variant type: single nucleotide variant.
Coding change: c.1391G>T on transcript NM_000053.4 (MANE Select); coding-DNA position 1391, G replaced by T.
Protein change: p.Gly464Val; replaces glycine 464 with valine.
Molecular consequence: missense variant. On other transcripts: intron variant (1).
Genome position (GRCh38, 1-based): chr13:51,970,644, C>A on the plus strand (G>T on the coding strand, the complement: ATP7B is on the minus strand). VCF-style: chr13-51970644-C-A. GRCh37 (hg19) VCF-style: chr13-52544780-C-A.
Other names: c.1391G>T, p.Gly464Val (NM_001005918.3, NM_001330578.2, NM_001330579.2 and 28 more transcripts); c.1058G>T, p.Gly353Val (NM_001243182.2); c.1295G>T, p.Gly432Val (NM_001406517.1, NM_001406518.1, NM_001406543.1 and 3 more transcripts); c.962G>T, p.Gly321Val (NM_001406539.1); c.1285+3291G>T (NM_001406548.1); short protein forms G321V, G353V, G432V, G464V.
Identifiers: ClinVar variation 4757339 (VCV004757339.1).

ClinVar aggregate classification (germline): Uncertain significance (1 of 4 stars; one submission).

Conditions:
Wilson disease (WND). Also called: Wilson's disease. Identifiers: Orphanet 905, MedGen C0019202, MONDO:0010200, OMIM 277900. Disease mechanism: loss of function.

Submission:

Color Diagnostics, LLC DBA Color Health
Classification: Uncertain significance for Wilson disease. Last evaluated: 2025-06-23. Review status: criteria provided, single submitter. Criteria: ACMG Guidelines, 2015. Collection method: clinical testing. Allele origin: germline.
Comment: This missense variant replaces glycine with valine at codon 464 of the ATP7B protein. Computational prediction suggests that this variant may not impact protein structure and function. To our knowledge, functional studies have not been reported for this variant. This variant has not been reported in individuals affected with ATP7B-related disorders in the literature. This variant has not been identified in the general population by the Genome Aggregation Database (gnomAD). The available evidence is insufficient to determine the role of this variant in disease conclusively. Therefore, this variant is classified as a Variant of Uncertain Significance.